The following is an entry in ClinVar:

NM_016203.4(PRKAG2):c.946+19A>G

Gene: PRKAG2 (protein kinase AMP-activated non-catalytic subunit gamma 2; minus strand). Cytogenetic location: 7q36.1.
Variant type: single nucleotide variant.
Coding change: c.946+19A>G on transcript NM_016203.4 (MANE Select); 19 bases into the intron after coding-DNA position 946, A replaced by G.
Molecular consequence: intron variant.
Genome position (GRCh38, 1-based): chr7:151,576,352, T>C on the plus strand (A>G on the coding strand, the complement: PRKAG2 is on the minus strand). VCF-style: chr7-151576352-T-C. GRCh37 (hg19) VCF-style: chr7-151273438-T-C.
Other names: c.814+19A>G (NM_001040633.2); c.571+19A>G (NM_001304527.2); c.574+19A>G (NM_001363698.2); c.223+19A>G (NM_001304531.2, NM_024429.2).
Identifiers: ClinVar variation 386831 (VCV000386831.10), dbSNP rs745525434, ClinGen allele CA058788.

ClinVar aggregate classification (germline): Likely benign. Review status: criteria provided, multiple submitters, no conflicts (2 of 4 stars). 4 submissions from 4 submitters: Likely benign (4). Last evaluated 2026-06-16.

Conditions:
Lethal congenital glycogen storage disease of heart. Also called: PHOSPHORYLASE KINASE DEFICIENCY OF HEART; GLYCOGEN STORAGE DISEASE OF HEART. Identifiers: Orphanet 439854, MedGen C1849813, MONDO:0009867, OMIM 261740.

Allele frequency attached by ClinVar (database versions not stated): gnomAD 0.00001; TOPMed 0.00001; ExAC 0.00002; gnomAD exomes 0.00002 and 0.00005.
gnomAD v4.1: 76 of 1,567,310 alleles (0.0048%); highest among the groups gnomAD compares: Non-Finnish European, 0.0065%; no homozygotes.

Submissions (4):

Women's Health and Genetics/Laboratory Corporation of America, LabCorp
Classification: Likely benign. Last evaluated: 2026-06-16. Review status: criteria provided, single submitter. Criteria: LabCorp Variant Classification Summary - May 2015. Collection method: clinical testing. Allele origin: germline.

Labcorp Genetics (formerly Invitae), Labcorp
Classification: Likely benign for Lethal congenital glycogen storage disease of heart. Last evaluated: 2026-01-24. Review status: criteria provided, single submitter. Criteria: Invitae Variant Classification Sherloc (09022015). Collection method: clinical testing. Allele origin: germline.

Blueprint Genetics
Classification: Likely benign. Last evaluated: 2022-09-14. Review status: criteria provided, single submitter. Criteria: ACMG Guidelines, 2015. Collection method: clinical testing. Allele origin: germline.

GeneDx
Classification: Likely benign. Last evaluated: 2016-06-08. Review status: criteria provided, single submitter. Criteria: GeneDx Variant Classification (06012015). Collection method: clinical testing. Allele origin: germline. Affected: yes.
Comment: This variant is considered likely benign or benign based on one or more of the following criteria: it is a conservative change, it occurs at a poorly conserved position in the protein, it is predicted to be benign by multiple in silico algorithms, and/or has population frequency not consistent with disease.